The following is an entry in ClinVar:

NM_000293.3(PHKB):c.1716T>C (p.Thr572=)

Gene: PHKB (phosphorylase kinase regulatory subunit beta; plus strand). Cytogenetic location: 16q12.1.
Variant type: single nucleotide variant.
Coding change: c.1716T>C on transcript NM_000293.3 (MANE Select); coding-DNA position 1716, T replaced by C.
Protein change: p.Thr572=; no amino-acid change (threonine 572 retained).
Molecular consequence: synonymous variant.
Genome position (GRCh38, 1-based): chr16:47,649,123, T>C. VCF-style: chr16-47649123-T-C. GRCh37 (hg19) VCF-style: chr16-47683034-T-C.
Other names: c.1695T>C, p.Thr565= (NM_001031835.3); c.1716T>C, p.Thr572= (NM_001363837.1).
Identifiers: ClinVar variation 514207 (VCV000514207.5), dbSNP rs746052855, ClinGen allele CA8040944.

ClinVar aggregate classification (germline): Likely benign. Review status: criteria provided, multiple submitters, no conflicts (2 of 4 stars). 2 submissions from 2 submitters: Likely benign (2). Last evaluated 2023-03-04.

Conditions:
Glycogen storage disease IXb (GSD9B). Also called: PHOSPHORYLASE KINASE DEFICIENCY OF LIVER AND MUSCLE, AUTOSOMAL RECESSIVE; GLYCOGENOSIS OF LIVER AND MUSCLE, AUTOSOMAL RECESSIVE; GSD IXb. Identifiers: Orphanet 79240, MedGen C0543514, MONDO:0009868, OMIM 261750.

Allele frequency attached by ClinVar (database versions not stated): gnomAD exomes below 0.00001 and 0.00001; ExAC 0.00001; gnomAD 0.00001; TOPMed 0.00001.
gnomAD v4.1: 4 of 1,605,004 alleles (0.00025%); highest among the groups gnomAD compares: Admixed American, 0.0067%; no homozygotes.

Submissions (2):

Labcorp Genetics (formerly Invitae), Labcorp
Classification: Likely benign for Glycogen storage disease IXb. Last evaluated: 2023-03-04. Review status: criteria provided, single submitter. Criteria: Invitae Variant Classification Sherloc (09022015). Collection method: clinical testing. Allele origin: germline.

GeneDx
Classification: Likely benign. Last evaluated: 2018-01-08. Review status: criteria provided, single submitter. Criteria: GeneDx Variant Classification (06012015). Collection method: clinical testing. Allele origin: germline. Affected: yes.
Comment: This variant is considered likely benign or benign based on one or more of the following criteria: it is a conservative change, it occurs at a poorly conserved position in the protein, it is predicted to be benign by multiple in silico algorithms, and/or has population frequency not consistent with disease.